The following is an entry in ClinVar:

NM_014244.5(ADAMTS2):c.2351G>T (p.Ser784Ile)

Gene: ADAMTS2 (ADAM metallopeptidase with thrombospondin type 1 motif 2; minus strand). Cytogenetic location: 5q35.3.
Variant type: single nucleotide variant.
Coding change: c.2351G>T on transcript NM_014244.5 (MANE Select); coding-DNA position 2351, G replaced by T.
Protein change: p.Ser784Ile; replaces serine 784 with isoleucine.
Molecular consequence: missense variant.
Genome position (GRCh38, 1-based): chr5:179,130,038, C>A on the plus strand (G>T on the coding strand, the complement: ADAMTS2 is on the minus strand). VCF-style: chr5-179130038-C-A. GRCh37 (hg19) VCF-style: chr5-178557039-C-A.
Other names: short protein forms S784I.
Identifiers: ClinVar variation 960948 (VCV000960948.8), dbSNP rs749754452, ClinGen allele CA3595582.

ClinVar aggregate classification (germline): Uncertain significance (1 of 4 stars; one submission).

Conditions:
Ehlers-Danlos syndrome, dermatosparaxis type. Also called: Ehlers-Danlos syndrome, type VII, autosomal recessive; Dermatosparaxis; EDS VIIC. Identifiers: Orphanet 1901, MedGen C2700425, MONDO:0009161, OMIM 225410.

Allele frequency attached by ClinVar (database versions not stated): gnomAD exomes below 0.00001; TOPMed below 0.00001; ExAC 0.00001; gnomAD 0.00001.
gnomAD v4.1: 5 of 1,614,082 alleles (0.00031%); highest among the groups gnomAD compares: African/African-American, 0.0013%; no homozygotes.

Submission:

Labcorp Genetics (formerly Invitae), Labcorp
Classification: Uncertain significance for Ehlers-Danlos syndrome, dermatosparaxis type. Last evaluated: 2021-12-23. Review status: criteria provided, single submitter. Criteria: Invitae Variant Classification Sherloc (09022015). Collection method: clinical testing. Allele origin: germline.
Comment: This sequence change replaces serine, which is neutral and polar, with isoleucine, which is neutral and non-polar, at codon 784 of the ADAMTS2 protein (p.Ser784Ile). This variant is present in population databases (rs749754452, gnomAD 0.004%). This variant has not been reported in the literature in individuals affected with ADAMTS2-related conditions. ClinVar contains an entry for this variant (Variation ID: 960948). Algorithms developed to predict the effect of missense changes on protein structure and function are either unavailable or do not agree on the potential impact of this missense change (SIFT: "Deleterious"; PolyPhen-2: "Benign"; Align-GVGD: "Class C15"). In summary, the available evidence is currently insufficient to determine the role of this variant in disease. Therefore, it has been classified as a Variant of Uncertain Significance.